The following is an entry in ClinVar:

NM_004329.3(BMPR1A):c.949_952del (p.Leu317fs)

Gene: BMPR1A (bone morphogenetic protein receptor type 1A; plus strand). Cytogenetic location: 10q23.2.
Variant type: Microsatellite.
Coding change: c.949_952del on transcript NM_004329.3 (MANE Select); coding-DNA positions 949 to 952, 4 bases deleted (CTCT; older notation c.949_952delCTCT).
Protein change: p.Leu317fs; shifts the reading frame from leucine 317.
Molecular consequence: frameshift variant.
Genome position (GRCh38, 1-based): chr10:86,919,252-86,919,255, CTCT deleted; deleting any 4 consecutive bases within chr10:86,919,249-86,919,255 gives the same sequence; the c. name uses the placement nearest the transcript's 3' end. VCF-style (leftmost placement, unchanged base first): chr10-86919248-ATCTC-A. GRCh37 (hg19) VCF-style: chr10-88679005-ATCTC-A.
Other names: c.949_952delCTCT (NM_004329.2); short protein forms L317fs.
Identifiers: ClinVar variation 411642 (VCV000411642.17), dbSNP rs1060503409, ClinGen allele CA16612984.
Genomic context (GRCh38, chr10:86,919,248, plus strand): 5'-CATTAAAGGTACAGGTTCCTGGACTCAGCTCTATTTGATTACTGATTACCATGAAAATGG[ATCTC>A]TCTATGACTTCCTGAAATGTGCTACACTGGACACCAGAGCCCTGCTTAAATTGGCTTATT-3'

ClinVar aggregate classification (germline): Pathogenic. Review status: criteria provided, multiple submitters, no conflicts (2 of 4 stars). 4 submissions from 4 submitters: Pathogenic (4). Last evaluated 2024-08-27.

Conditions:
Polyposis syndrome, hereditary mixed, 2. Identifiers: Orphanet 157794, MedGen C1864730, MONDO:0012405, OMIM 610069.
Juvenile polyposis syndrome (JPS). Identifiers: Orphanet 2929, MedGen C0345893, MONDO:0017380, OMIM 174900.
Hereditary cancer-predisposing syndrome. Also called: Hereditary neoplastic syndrome; Neoplastic Syndromes, Hereditary; Tumor predisposition; Hereditary Cancer Syndrome. Identifiers: Orphanet 140162, MedGen C0027672, MeSH D009386, MONDO:0015356.

Submissions (4):

Ambry Genetics
Classification: Pathogenic for Hereditary cancer-predisposing syndrome. Last evaluated: 2024-08-27. Review status: criteria provided, single submitter. Criteria: Ambry Variant Classification Scheme 2023. Collection method: clinical testing. Allele origin: germline.
Comment: The c.949_952delCTCT pathogenic mutation, located in coding exon 8 of the BMPR1A gene, results from a deletion of 4 nucleotides at nucleotide positions 949 to 952, causing a translational frameshift with a predicted alternate stop codon (p.L317Mfs*4). This variant is considered to be rare based on population cohorts in the Genome Aggregation Database (gnomAD). This alteration is expected to result in loss of function by premature protein truncation or nonsense-mediated mRNA decay. As such, this alteration is interpreted as a disease-causing mutation.

Myriad Genetics, Inc.
Classification: Pathogenic for Juvenile polyposis syndrome. Last evaluated: 2023-05-26. Review status: criteria provided, single submitter. Criteria: Myriad Autosomal Dominant, Autosomal Recessive and X-Linked Classification Criteria (2023). Collection method: clinical testing. Allele origin: unknown.
Comment: This variant is considered pathogenic. This variant creates a frameshift predicted to result in premature protein truncation.

Baylor Genetics
Classification: Pathogenic for Polyposis syndrome, hereditary mixed, 2. Last evaluated: 2022-07-07. Review status: criteria provided, single submitter. Criteria: ACMG Guidelines, 2015. Collection method: clinical testing. Allele origin: unknown.

Labcorp Genetics (formerly Invitae), Labcorp
Classification: Pathogenic for Juvenile polyposis syndrome. Last evaluated: 2016-10-12. Review status: criteria provided, single submitter. Criteria: Invitae Variant Classification Sherloc (09022015). Collection method: clinical testing. Allele origin: germline.
Comment: This sequence change deletes 4 nucleotides from exon 10 of the BMPR1A mRNA (c.949_952delCTCT), causing a frameshift at codon 317. This creates a premature translational stop signal (p.Leu317Metfs*4) and is expected to result in an absent or disrupted protein product. While this particular variant has not been reported in the literature, loss-of-function variants in BMPR1A are known to be pathogenic (PMID: 11536076, 12417513). For these reasons, this variant has been classified as Pathogenic.

Literature cited by the submitters: PubMed 11536076 (cited by Labcorp Genetics (formerly Invitae), Labcorp); PubMed 12417513 (cited by Labcorp Genetics (formerly Invitae), Labcorp).